The following is an entry in ClinVar:

NM_005188.4(CBL):c.1778G>C (p.Arg593Pro)

Gene: CBL (Cbl proto-oncogene; plus strand). Cytogenetic location: 11q23.3.
Variant type: single nucleotide variant.
Coding change: c.1778G>C on transcript NM_005188.4 (MANE Select); coding-DNA position 1778, G replaced by C.
Protein change: p.Arg593Pro; replaces arginine 593 with proline.
Molecular consequence: missense variant.
Genome position (GRCh38, 1-based): chr11:119,285,403, G>C. VCF-style: chr11-119285403-G-C. GRCh37 (hg19) VCF-style: chr11-119156113-G-C.
Other names: short protein forms R593P.
Identifiers: ClinVar variation 3688863 (VCV003688863.2).

ClinVar aggregate classification (germline): Uncertain significance (1 of 4 stars; one submission).

Conditions:
RASopathy. Also called: Noonan spectrum disorder; rasopathies. Identifiers: Orphanet 536391, MedGen C5555857, MONDO:0021060.

gnomAD v4.1: 1 of 1,613,914 alleles (0.000062%); highest among the groups gnomAD compares: Non-Finnish European, 0.000085%; no homozygotes.

Submission:

Labcorp Genetics (formerly Invitae), Labcorp
Classification: Uncertain significance for RASopathy. Last evaluated: 2025-01-14. Review status: criteria provided, single submitter. Criteria: Invitae Variant Classification Sherloc (09022015). Collection method: clinical testing. Allele origin: germline.
Comment: This sequence change replaces arginine, which is basic and polar, with proline, which is neutral and non-polar, at codon 593 of the CBL protein (p.Arg593Pro). This variant is present in population databases (no rsID available, gnomAD 0.01%). This variant has not been reported in the literature in individuals affected with CBL-related conditions. Invitae Evidence Modeling of protein sequence and biophysical properties (such as structural, functional, and spatial information, amino acid conservation, physicochemical variation, residue mobility, and thermodynamic stability) indicates that this missense variant is not expected to disrupt CBL protein function with a negative predictive value of 95%. In summary, the available evidence is currently insufficient to determine the role of this variant in disease. Therefore, it has been classified as a Variant of Uncertain Significance.